The following is an entry in ClinVar:

ClinVar aggregate classification (germline): Uncertain significance (1 of 4 stars; one submission).

Conditions:
Retinoblastoma (RB1). Also called: RETINOBLASTOMA, SOMATIC. Identifiers: Orphanet 790, MedGen C0035335, MeSH D012175, MONDO:0008380, OMIM 180200, HP:0009919. Disease mechanism: loss of function. Inheritance: Both sporadic and heritable forms are tested..

Submission:

Labcorp Genetics (formerly Invitae), Labcorp
Classification: Uncertain significance for Retinoblastoma. Last evaluated: 2018-12-11. Review status: criteria provided, single submitter. Criteria: Invitae Variant Classification Sherloc (09022015). Collection method: clinical testing. Allele origin: germline.
Comment: This sequence change replaces serine with proline at codon 560 of the RB1 protein (p.Ser560Pro). The serine residue is highly conserved and there is a moderate physicochemical difference between serine and proline. This variant is not present in population databases (ExAC no frequency). This variant has been reported in individuals in the Leiden Open-source Variation Database (PMID: 21520333). Algorithms developed to predict the effect of missense changes on protein structure and function are either unavailable or do not agree on the potential impact of this missense change (SIFT: "Deleterious"; PolyPhen-2: "Probably Damaging"; Align-GVGD: "Class C0"). In summary, the available evidence is currently insufficient to determine the role of this variant in disease. Therefore, it has been classified as a Variant of Uncertain Significance.

Literature cited by the submitters: PubMed 21520333.

NM_000321.3(RB1):c.1678T>C (p.Ser560Pro)

Gene: RB1 (RB transcriptional corepressor 1; plus strand). Cytogenetic location: 13q14.2.
Variant type: single nucleotide variant.
Coding change: c.1678T>C on transcript NM_000321.3 (MANE Select); coding-DNA position 1678, T replaced by C.
Protein change: p.Ser560Pro; replaces serine 560 with proline.
Molecular consequence: missense variant.
Genome position (GRCh38, 1-based): chr13:48,381,426, T>C. VCF-style: chr13-48381426-T-C. GRCh37 (hg19) VCF-style: chr13-48955562-T-C.
Other names: short protein forms S560P.
Identifiers: ClinVar variation 651691 (VCV000651691.1), dbSNP rs1593457138, ClinGen allele CA388164038.
Genomic context (GRCh38, chr13:48,381,426, plus strand): 5'-GGCAACTTGACAAGAGAAATGATAAAACATTTAGAACGATGTGAACATCGAATCATGGAA[T>C]CCCTTGCATGGCTCTCAGTAAGTAGCTAAATAATTGAAGAAATTCATTCATGTGCATATG-3'
Protein context (NP_000312.2, residues 550-570): LERCEHRIME[Ser560Pro]LAWLSDSPLF